The following is an entry in ClinVar:

NM_021625.5(TRPV4):c.1714G>A (p.Glu572Lys)

Gene: TRPV4 (transient receptor potential cation channel subfamily V member 4; minus strand). Cytogenetic location: 12q24.11.
Variant type: single nucleotide variant.
Coding change: c.1714G>A on transcript NM_021625.5 (MANE Select); coding-DNA position 1714, G replaced by A.
Protein change: p.Glu572Lys; replaces glutamic acid 572 with lysine.
Molecular consequence: missense variant.
Genome position (GRCh38, 1-based): chr12:109,792,762, C>T on the plus strand (G>A on the coding strand, the complement: TRPV4 is on the minus strand). VCF-style: chr12-109792762-C-T. GRCh37 (hg19) VCF-style: chr12-110230567-C-T.
Other names: c.1612G>A, p.Glu538Lys (NM_001177431.2); c.1393G>A, p.Glu465Lys (NM_001177433.2); c.1534G>A, p.Glu512Lys (NM_147204.3); c.1573G>A, p.Glu525Lys (NM_001177428.2); short protein forms E512K, E465K, E525K, E538K, E572K.
Identifiers: ClinVar variation 1433117 (VCV001433117.6), dbSNP rs1312427314, ClinGen allele CA386652529.

ClinVar aggregate classification (germline): Uncertain significance. Review status: criteria provided, multiple submitters, no conflicts (2 of 4 stars). 2 submissions from 2 submitters: Uncertain significance (2). Last evaluated 2025-08-31.

Conditions:
Inborn genetic diseases. Identifiers: MedGen C0950123, MeSH D030342.
Charcot-Marie-Tooth disease axonal type 2C (HMSN2C). Also called: Charcot-Marie-Tooth Disease Type 2, TRPV4-Related (CMT2C); CHARCOT-MARIE-TOOTH DISEASE, AXONAL, AUTOSOMAL DOMINANT, TYPE 2C; Charcot-Marie-Tooth Neuropathy Type 2C. Identifiers: Orphanet 99937, MedGen C1853710, MONDO:0011633, OMIM 606071.

Allele frequency attached by ClinVar (database versions not stated): gnomAD exomes below 0.00001.
gnomAD v4.1: 9 of 1,613,950 alleles (0.00056%); highest among the groups gnomAD compares: African/African-American, 0.0013%; no homozygotes.

Submissions (2):

Ambry Genetics
Classification: Uncertain significance for Inborn genetic diseases. Last evaluated: 2025-08-31. Review status: criteria provided, single submitter. Criteria: Ambry Variant Classification Scheme 2023. Collection method: clinical testing. Allele origin: germline.

Labcorp Genetics (formerly Invitae), Labcorp
Classification: Uncertain significance for Charcot-Marie-Tooth disease axonal type 2C. Last evaluated: 2022-07-05. Review status: criteria provided, single submitter. Criteria: Invitae Variant Classification Sherloc (09022015). Collection method: clinical testing. Allele origin: germline.
Comment: In summary, the available evidence is currently insufficient to determine the role of this variant in disease. Therefore, it has been classified as a Variant of Uncertain Significance. Advanced modeling of protein sequence and biophysical properties (such as structural, functional, and spatial information, amino acid conservation, physicochemical variation, residue mobility, and thermodynamic stability) performed at Invitae indicates that this missense variant is not expected to disrupt TRPV4 protein function. This variant is present in population databases (no rsID available, gnomAD 0.006%). This sequence change replaces glutamic acid, which is acidic and polar, with lysine, which is basic and polar, at codon 572 of the TRPV4 protein (p.Glu572Lys). This variant has not been reported in the literature in individuals affected with TRPV4-related conditions. ClinVar contains an entry for this variant (Variation ID: 1433117).